The following is an entry in ClinVar:

NM_001083962.2(TCF4):c.72+9del

Gene: TCF4 (transcription factor 4; minus strand). Cytogenetic location: 18q21.2.
Variant type: Deletion.
Coding change: c.72+9del on transcript NM_001083962.2 (MANE Select); 9 bases into the intron after coding-DNA position 72, one base deleted (G; older notation c.72+9delG).
Molecular consequence: intron variant.
Genome position (GRCh38, 1-based): chr18:55,587,036, C deleted on the plus strand (G on the coding strand, the reverse complement: TCF4 is on the minus strand). VCF-style (leftmost placement, unchanged base first): chr18-55587035-TC-T. GRCh37 (hg19) VCF-style: chr18-53254266-TC-T.
Other names: c.72+9del (NM_001369572.1, NM_001369568.1, NM_001369573.1 and 8 more transcripts); c.-1+1002del (NM_001369585.1, NM_001369578.1, NM_001369579.1 and 2 more transcripts); c.378+9del (NM_001243226.3); c.1-1684del (NM_001369584.1, NM_001369576.1, NM_001369577.1 and 3 more transcripts); c.66+1434del (NM_001243230.2); c.72+9delG (NM_001083962.2).
Identifiers: ClinVar variation 4847526 (VCV004847526.1).
Genomic context (GRCh38, chr18:55,587,035, plus strand): 5'-TAGCTGAAGTGTTTGGGTTTTTGTTTTGTTTTTTTCACAGCTGTTGTTAGTTTCCACCGT[TC>T]TTTCTTACCGCACTGAAATCCAGTAAATCACTCAGCTCTTTGTCCGTCCCTAAGGCAGCC-3'

ClinVar aggregate classification (germline): Likely benign (1 of 4 stars; one submission).

Submission:

Women's Health and Genetics/Laboratory Corporation of America, LabCorp
Classification: Likely benign. Last evaluated: 2026-03-03. Review status: criteria provided, single submitter. Criteria: LabCorp Variant Classification Summary - May 2015. Collection method: clinical testing. Allele origin: germline.
Comment: Variant summary: TCF4 c.72+9delG alters a nucleotide located at a position not widely known to affect splicing. Consensus agreement among computation tools predict no significant impact on normal splicing. However, these predictions have yet to be confirmed by functional studies. The variant allele was found at a frequency of 4e-06 in 251454 control chromosomes. The available data on variant occurrences in the general population are insufficient to allow any conclusion about variant significance. To our knowledge, no occurrence of c.72+9delG in individuals affected with TCF4-related conditions and no experimental evidence demonstrating its impact on protein function have been reported. No submitters have cited clinical-significance assessments for this variant to ClinVar. Based on the evidence outlined above, the variant was classified as likely benign.